The following is an entry in ClinVar:

NM_001715.3(BLK):c.458G>A (p.Ser153Asn)

Genes: BLK (BLK proto-oncogene, Src family tyrosine kinase), LOC126860303 (CDK7 strongly-dependent group 2 enhancer GRCh37_chr8:11407118-11408317). Cytogenetic location: 8p23.1.
Variant type: single nucleotide variant.
Coding change: c.458G>A on transcript NM_001715.3 (MANE Select); coding-DNA position 458, G replaced by A.
Protein change: p.Ser153Asn; replaces serine 153 with asparagine.
Molecular consequence: missense variant.
Genome position (GRCh38, 1-based): chr8:11,550,248, G>A. VCF-style: chr8-11550248-G-A. GRCh37 (hg19) VCF-style: chr8-11407757-G-A.
Other names: c.245G>A, p.Ser82Asn (NM_001330465.2); short protein forms S153N, S82N.
Identifiers: ClinVar variation 3382092 (VCV003382092.2).

ClinVar aggregate classification (germline): Uncertain significance (1 of 4 stars; one submission).

Conditions:
Maturity-onset diabetes of the young type 11. Identifiers: Orphanet 552, MedGen C3150618, MONDO:0013242, OMIM 613375.

Submission:

Juno Genomics, Hangzhou Juno Genomics, Inc
Classification: Uncertain significance for Maturity-onset diabetes of the young type 11. Review status: criteria provided, single submitter. Criteria: ACMG Guidelines, 2015. Collection method: clinical testing. Allele origin: germline. Affected: yes.
Comment: Absent from controls (or at extremely low frequency if recessive) in Genome Aggregation Database, Exome Sequencing Project, 1000 Genomes Project, or Exome Aggregation Consortium.;Multiple lines of computational evidence support a deleterious effect on the gene or gene product (conservation, evolutionary, splicing impact, etc).